The following is an entry in ClinVar:

ClinVar aggregate classification (germline): Uncertain significance (1 of 4 stars; one submission).

Conditions:
Progressive myoclonic epilepsy. Also called: Familial progressive myoclonic epilepsy; Myoclonus epilepsy; Progressive myoclonus epilepsy; Myoclonic Epilepsies, Progressive. Identifiers: Orphanet 308, Orphanet 98261, MedGen C0751778, MONDO:0020074.

Allele frequency attached by ClinVar (database versions not stated): gnomAD 0.00001.

Submission:

Labcorp Genetics (formerly Invitae), Labcorp
Classification: Uncertain significance for Progressive myoclonic epilepsy. Last evaluated: 2021-08-27. Review status: criteria provided, single submitter. Criteria: Invitae Variant Classification Sherloc (09022015). Collection method: clinical testing. Allele origin: germline.
Comment: This sequence change replaces glycine with tryptophan at codon 24 of the EPM2A protein (p.Gly24Trp). The glycine residue is moderately conserved and there is a large physicochemical difference between glycine and tryptophan. The frequency data for this variant in the population databases is considered unreliable, as metrics indicate insufficient coverage at this position in the ExAC database. This variant has not been reported in the literature in individuals affected with EPM2A-related conditions. Algorithms developed to predict the effect of missense changes on protein structure and function are either unavailable or do not agree on the potential impact of this missense change (SIFT: "Deleterious"; PolyPhen-2: "Probably Damaging"; Align-GVGD: "Class C0"). In summary, the available evidence is currently insufficient to determine the role of this variant in disease. Therefore, it has been classified as a Variant of Uncertain Significance.

NM_005670.4(EPM2A):c.70G>T (p.Gly24Trp)

Genes: EPM2A (EPM2A glucan phosphatase, laforin; minus strand), EPM2A-DT (EPM2A divergent transcript; plus strand), LOC129997381 (ATAC-STARR-seq lymphoblastoid silent region 17642; plus strand). Cytogenetic location: 6q24.3.
Variant type: single nucleotide variant.
Coding change: c.70G>T on transcript NM_005670.4 (MANE Select); coding-DNA position 70, G replaced by T.
Protein change: p.Gly24Trp; replaces glycine 24 with tryptophan.
Molecular consequence: missense variant. On other transcripts: 5 prime UTR variant (3), intron variant (1).
Genome position (GRCh38, 1-based): chr6:145,735,429, C>A on the plus strand (G>T on the coding strand, the complement: EPM2A is on the minus strand). VCF-style: chr6-145735429-C-A. GRCh37 (hg19) VCF-style: chr6-146056565-C-A.
Other names: c.70G>T, p.Gly24Trp (NM_001018041.2, NM_001360057.2, NM_001368130.1); c.-600G>T (NM_001360071.2); c.-554G>T (NM_001368129.2); c.-298G>T (NM_001368131.1); c.-114+479G>T (NM_001360064.2); short protein forms G24W.
Identifiers: ClinVar variation 1421725 (VCV001421725.5), dbSNP rs1554269710, ClinGen allele CA366188512.